The following is an entry in ClinVar:

NM_000222.3(KIT):c.796G>T (p.Asp266Tyr)

Gene: KIT (KIT proto-oncogene, receptor tyrosine kinase; plus strand). Cytogenetic location: 4q12.
Variant type: single nucleotide variant.
Coding change: c.796G>T on transcript NM_000222.3 (MANE Select); coding-DNA position 796, G replaced by T.
Protein change: p.Asp266Tyr; replaces aspartic acid 266 with tyrosine.
Molecular consequence: missense variant.
Genome position (GRCh38, 1-based): chr4:54,703,763, G>T. VCF-style: chr4-54703763-G-T. GRCh37 (hg19) VCF-style: chr4-55569929-G-T.
Other names: c.796G>T, p.Asp266Tyr (NM_001093772.2, NM_001385285.1, NM_001385286.1); c.799G>T, p.Asp267Tyr (NM_001385284.1, NM_001385288.1, NM_001385290.1 and 1 more transcripts); short protein forms D266Y, D267Y.
Identifiers: ClinVar variation 834921 (VCV000834921.10), dbSNP rs1720603341, ClinGen allele CA356899445.

ClinVar aggregate classification (germline): Uncertain significance (1 of 4 stars; one submission).

Conditions:
Gastrointestinal stromal tumor. Also called: Gastrointestinal stromal tumor, somatic; Gastrointestinal stroma tumor. Identifiers: Orphanet 44890, MedGen C0238198, MeSH D046152, MONDO:0011719, OMIM 606764, HP:0100723.

Submission:

Labcorp Genetics (formerly Invitae), Labcorp
Classification: Uncertain significance for Gastrointestinal stromal tumor. Last evaluated: 2024-05-06. Review status: criteria provided, single submitter. Criteria: Invitae Variant Classification Sherloc (09022015). Collection method: clinical testing. Allele origin: germline.
Comment: This sequence change replaces aspartic acid, which is acidic and polar, with tyrosine, which is neutral and polar, at codon 266 of the KIT protein (p.Asp266Tyr). This variant is not present in population databases (gnomAD no frequency). This variant has not been reported in the literature in individuals affected with KIT-related conditions. ClinVar contains an entry for this variant (Variation ID: 834921). An algorithm developed to predict the effect of missense changes on protein structure and function (PolyPhen-2) suggests that this variant is likely to be disruptive. In summary, the available evidence is currently insufficient to determine the role of this variant in disease. Therefore, it has been classified as a Variant of Uncertain Significance.